The following is an entry in ClinVar:

ClinVar aggregate classification (germline): Conflicting classifications of pathogenicity. Review status: criteria provided, conflicting classifications (1 of 4 stars). 3 submissions from 3 submitters: Uncertain significance (1); Likely benign (1). 1 of the submissions does not count toward it. Last evaluated 2026-03-06.

Conditions:
Nemaline myopathy 2 (NEM2). Also called: Nemaline myopathy 2, autosomal recessive. Identifiers: MedGen C1850569, MONDO:0009725, OMIM 256030.

Allele frequency attached by ClinVar (database versions not stated): ExAC 0.00002; gnomAD exomes 0.00002; TOPMed 0.00003; gnomAD 0.00005; ESP Exome Variant Server 0.00009; 1000 Genomes Project 30x 0.00016; 1000 Genomes Project 0.00020.
gnomAD v4.1: 39 of 1,583,750 alleles (0.0025%); highest among the groups gnomAD compares: African/African-American, 0.011%; no homozygotes.

Submissions (3):

GeneDx
Classification: Uncertain significance. Last evaluated: 2026-03-06. Review status: criteria provided, single submitter. Criteria: GeneDx Variant Classification Process June 2021. Collection method: clinical testing. Allele origin: germline.
Comment: Not observed at significant frequency in large population cohorts (gnomAD); In silico analysis supports that this missense variant has a deleterious effect on protein structure/function; Has not been previously published as pathogenic or benign to our knowledge

Labcorp Genetics (formerly Invitae), Labcorp
Classification: Likely benign for Nemaline myopathy 2. Last evaluated: 2025-08-28. Review status: criteria provided, single submitter. Criteria: Invitae Variant Classification Sherloc (09022015). Collection method: clinical testing. Allele origin: germline.

Natera, Inc.
Classification: Uncertain significance for Nemaline myopathy type 2. Last evaluated: 2020-09-16. Review status: no assertion criteria provided. Collection method: clinical testing. Allele origin: germline. Not counted in ClinVar's aggregate classification.

NM_001164508.2(NEB):c.23555C>T (p.Ser7852Leu)

Genes: NEB (nebulin; minus strand), RIF1 (replication timing regulatory factor 1; plus strand). Cytogenetic location: 2q23.3.
Variant type: single nucleotide variant.
Coding change: c.23555C>T on transcript NM_001164508.2 (MANE Select); coding-DNA position 23555, C replaced by T.
Protein change: p.Ser7852Leu; replaces serine 7852 with leucine.
Molecular consequence: missense variant.
Genome position (GRCh38, 1-based): chr2:151,506,910, G>A on the plus strand (C>T on the coding strand, the complement: NEB is on the minus strand). VCF-style: chr2-151506910-G-A. GRCh37 (hg19) VCF-style: chr2-152363424-G-A.
Other names: c.23555C>T, p.Ser7852Leu (NM_001164507.2); c.23660C>T, p.Ser7887Leu (NM_001271208.2); c.18452C>T, p.Ser6151Leu (NM_004543.5); short protein forms S7887L, S7852L, S6151L.
Identifiers: ClinVar variation 465571 (VCV000465571.11), dbSNP rs200454939, ClinGen allele CA1906332.